The following is an entry in ClinVar:

NM_001081.4(CUBN):c.2203G>A (p.Val735Ile)

Gene: CUBN (cubilin; minus strand). Cytogenetic location: 10p13.
Variant type: single nucleotide variant.
Coding change: c.2203G>A on transcript NM_001081.4 (MANE Select); coding-DNA position 2203, G replaced by A.
Protein change: p.Val735Ile; replaces valine 735 with isoleucine.
Molecular consequence: missense variant.
Genome position (GRCh38, 1-based): chr10:17,084,369, C>T on the plus strand (G>A on the coding strand, the complement: CUBN is on the minus strand). VCF-style: chr10-17084369-C-T. GRCh37 (hg19) VCF-style: chr10-17126368-C-T.
Other names: short protein forms V735I.
Identifiers: ClinVar variation 299510 (VCV000299510.12), dbSNP rs370770104, ClinGen allele CA5425053.
Genomic context (GRCh38, chr10:17,084,369, plus strand): 5'-GCTCCACGTGGGTGAAGTTGATTTGTATTTGTTCTCCCTGGGGCTGCTTCATCATATAGA[C>T]GCATTGCCTGGTGTGAGTGAAAGGCCCAGACAACTCAGGCAAGAAGAGTTCACCCTCTGG-3'
Protein context (NP_001072.2, residues 725-745): SGPFTHTRQC[Val735Ile]YMMKQPQGEQ

ClinVar aggregate classification (germline): Conflicting classifications of pathogenicity. Review status: criteria provided, conflicting classifications (1 of 4 stars). 4 submissions from 4 submitters: Uncertain significance (3); Likely benign (1). Last evaluated 2023-11-07.

Conditions:
Inborn genetic diseases. Identifiers: MedGen C0950123, MeSH D030342.
Imerslund-Grasbeck syndrome. Also called: Megaloblastic anemia due to inborn errors of metabolism; Imerslund-Gräsbeck syndrome; ENTEROCYTE COBALAMIN MALABSORPTION; ENTEROCYTE INTRINSIC FACTOR RECEPTOR, DEFECT OF; PERNICIOUS ANEMIA, JUVENILE, DUE TO SELECTIVE INTESTINAL MALABSORPTION OF VITAMIN B12, WITH PROTEINURIA. Identifiers: Orphanet 35858, MedGen C4551825, MONDO:0009853.
Proteinuria, chronic benign. Identifiers: MedGen C5394384, MONDO:0030042, OMIM 618884.
Imerslund-Grasbeck syndrome type 1 (IGS1). Also called: Megaloblastic anemia 1, Finnish type; MEGALOBLASTIC ANEMIA, 1; Imerslund-Gräsbeck syndrome 1. Identifiers: MedGen C4016819, MONDO:0100156, OMIM 261100.

Allele frequency attached by ClinVar (database versions not stated): gnomAD 0.00004 and 0.00005; TOPMed 0.00005; ExAC 0.00007; ESP Exome Variant Server 0.00008.
gnomAD v4.1: 163 of 1,614,050 alleles (0.01%); highest among the groups gnomAD compares: East Asian, 0.04%; no homozygotes.

Submissions (4):

Labcorp Genetics (formerly Invitae), Labcorp
Classification: Uncertain significance for Imerslund-Grasbeck syndrome. Last evaluated: 2023-11-07. Review status: criteria provided, single submitter. Criteria: Invitae Variant Classification Sherloc (09022015). Collection method: clinical testing. Allele origin: germline.
Comment: This sequence change replaces valine, which is neutral and non-polar, with isoleucine, which is neutral and non-polar, at codon 735 of the CUBN protein (p.Val735Ile). This variant is present in population databases (rs370770104, gnomAD 0.02%). This variant has not been reported in the literature in individuals affected with CUBN-related conditions. ClinVar contains an entry for this variant (Variation ID: 299510). Advanced modeling of protein sequence and biophysical properties (such as structural, functional, and spatial information, amino acid conservation, physicochemical variation, residue mobility, and thermodynamic stability) performed at Invitae indicates that this missense variant is not expected to disrupt CUBN protein function with a negative predictive value of 80%. In summary, the available evidence is currently insufficient to determine the role of this variant in disease. Therefore, it has been classified as a Variant of Uncertain Significance.

Fulgent Genetics
Classification: Uncertain significance for Imerslund-Grasbeck syndrome type 1; Proteinuria, chronic benign. Last evaluated: 2021-12-07. Review status: criteria provided, single submitter. Criteria: ACMG Guidelines, 2015. Collection method: clinical testing. Allele origin: unknown.

Ambry Genetics
Classification: Likely benign for Inborn genetic diseases. Last evaluated: 2021-07-06. Review status: criteria provided, single submitter. Criteria: Ambry Variant Classification Scheme 2023. Collection method: clinical testing. Allele origin: germline.

Illumina Laboratory Services, Illumina
Classification: Uncertain significance for Imerslund-Grasbeck syndrome type 1. Last evaluated: 2018-01-12. Review status: criteria provided, single submitter. Criteria: ICSL Variant Classification Criteria 13 December 2019. Collection method: clinical testing. Allele origin: germline.